The following is an entry in ClinVar:

ClinVar aggregate classification (germline): Uncertain significance. Review status: criteria provided, multiple submitters, no conflicts (2 of 4 stars). 4 submissions from 4 submitters: Uncertain significance (4). Last evaluated 2025-08-25.

Conditions:
Hereditary cancer-predisposing syndrome. Also called: Tumor predisposition; Hereditary neoplastic syndrome; Neoplastic Syndromes, Hereditary; Hereditary Cancer Syndrome. Identifiers: Orphanet 140162, MedGen C0027672, MeSH D009386, MONDO:0015356.
Familial cancer of breast. Also called: BREAST CANCER, FAMILIAL; Hereditary breast cancer; hereditary breast carcinoma. Identifiers: Orphanet 227535, MedGen C0346153, MONDO:0016419, OMIM 114480. Disease mechanism: loss of function.
Fanconi anemia complementation group J. Also called: BRIP1-Related Fanconi Anemia. Identifiers: Orphanet 84, MedGen C1836860, MONDO:0012187, OMIM 609054.

Allele frequency attached by ClinVar (database versions not stated): gnomAD exomes 0.00001.
gnomAD v4.1: 9 of 1,610,870 alleles (0.00056%); highest among the groups gnomAD compares: Non-Finnish European, 0.00068%; no homozygotes.

Submissions (4):

Labcorp Genetics (formerly Invitae), Labcorp
Classification: Uncertain significance for Familial cancer of breast; Fanconi anemia complementation group J. Last evaluated: 2025-08-25. Review status: criteria provided, single submitter. Criteria: Invitae Variant Classification Sherloc (09022015). Collection method: clinical testing. Allele origin: germline.
Comment: This sequence change replaces tyrosine, which is neutral and polar, with asparagine, which is neutral and polar, at codon 455 of the BRIP1 protein (p.Tyr455Asn). This variant is present in population databases (rs587780826, gnomAD 0.002%). This variant has not been reported in the literature in individuals affected with BRIP1-related conditions. ClinVar contains an entry for this variant (Variation ID: 136142). Invitae Evidence Modeling of protein sequence and biophysical properties (such as structural, functional, and spatial information, amino acid conservation, physicochemical variation, residue mobility, and thermodynamic stability) indicates that this missense variant is not expected to disrupt BRIP1 protein function with a negative predictive value of 95%. In summary, the available evidence is currently insufficient to determine the role of this variant in disease. Therefore, it has been classified as a Variant of Uncertain Significance.

Baylor Genetics
Classification: Uncertain significance for Familial cancer of breast. Last evaluated: 2023-12-16. Review status: criteria provided, single submitter. Criteria: ACMG Guidelines, 2015. Collection method: clinical testing. Allele origin: unknown.

Ambry Genetics
Classification: Uncertain significance for Hereditary cancer-predisposing syndrome. Last evaluated: 2023-12-14. Review status: criteria provided, single submitter. Criteria: Ambry Variant Classification Scheme 2023. Collection method: clinical testing. Allele origin: germline.
Comment: The p.Y455N variant (also known as c.1363T>A), located in coding exon 9 of the BRIP1 gene, results from a T to A substitution at nucleotide position 1363. The tyrosine at codon 455 is replaced by asparagine, an amino acid with dissimilar properties. This alteration was identified in 1/1358 non-cancer control individuals and in 0/57 cases, in a study looking at cancer predisposition mutations in patients with cutaneous melanoma and a history of at least two additional non-cutaneous melanoma primary cancers. This amino acid position is poorly conserved in available vertebrate species. In addition, this alteration is predicted to be tolerated by in silico analysis. Since supporting evidence is limited at this time, the clinical significance of this alteration remains unclear.

Color Diagnostics, LLC DBA Color Health
Classification: Uncertain significance for Hereditary cancer-predisposing syndrome. Last evaluated: 2019-02-21. Review status: criteria provided, single submitter. Criteria: ACMG Guidelines, 2015. Collection method: clinical testing. Allele origin: germline.

Literature cited by the submitters: PubMed 29641532 (cited by Ambry Genetics).

NM_032043.3(BRIP1):c.1363T>A (p.Tyr455Asn)

Gene: BRIP1 (BRCA1 interacting DNA helicase 1; minus strand). Cytogenetic location: 17q23.2.
Variant type: single nucleotide variant.
Coding change: c.1363T>A on transcript NM_032043.3 (MANE Select); coding-DNA position 1363, T replaced by A.
Protein change: p.Tyr455Asn; replaces tyrosine 455 with asparagine.
Molecular consequence: missense variant.
Genome position (GRCh38, 1-based): chr17:61,793,707, A>T on the plus strand (T>A on the coding strand, the complement: BRIP1 is on the minus strand). VCF-style: chr17-61793707-A-T. GRCh37 (hg19) VCF-style: chr17-59871068-A-T.
Other names: short protein forms Y455N.
Identifiers: ClinVar variation 136142 (VCV000136142.16), dbSNP rs587780826, ClinGen allele CA332983.